The following is an entry in ClinVar:

ClinVar aggregate classification (germline): Uncertain significance (1 of 4 stars; one submission).

Conditions:
Norman-Roberts syndrome (LIS2). Also called: Lissencephaly 2 (Norman-Roberts type). Identifiers: Orphanet 89844, MedGen C0796089, MONDO:0009760, OMIM 257320.
Familial temporal lobe epilepsy 7. Identifiers: Orphanet 101046, MedGen C4225327, MONDO:0014639, OMIM 616436.

Submission:

Labcorp Genetics (formerly Invitae), Labcorp
Classification: Uncertain significance for Familial temporal lobe epilepsy 7; Norman-Roberts syndrome. Last evaluated: 2019-04-19. Review status: criteria provided, single submitter. Criteria: Invitae Variant Classification Sherloc (09022015). Collection method: clinical testing. Allele origin: germline.
Comment: Nucleotide substitutions within the consensus splice site are a relatively common cause of aberrant splicing (PMID: 17576681, 9536098). Algorithms developed to predict the effect of sequence changes on RNA splicing suggest that this variant may disrupt the consensus splice site, but this prediction has not been confirmed by published transcriptional studies. In summary, the available evidence is currently insufficient to determine the role of this variant in disease. Therefore, it has been classified as a Variant of Uncertain Significance. This variant has not been reported in the literature in individuals with RELN-related conditions. This variant is not present in population databases (ExAC no frequency). This sequence change falls in intron 11 of the RELN gene. It does not directly change the encoded amino acid sequence of the RELN protein, but it affects a nucleotide within the consensus splice site of the intron.

Literature cited by the submitters: PubMed 17576681; PubMed 9536098.

NM_005045.4(RELN):c.1289+4dup

Gene: RELN (reelin; minus strand). Cytogenetic location: 7q22.1.
Variant type: Duplication.
Coding change: c.1289+4dup on transcript NM_005045.4 (MANE Select); 4 bases into the intron after coding-DNA position 1289, one base duplicated (A; older notation c.1289+4dupA).
Molecular consequence: intron variant.
Genome position (GRCh38, 1-based): chr7:103,682,112, T duplicated on the plus strand (A on the coding strand, the reverse complement: RELN is on the minus strand); the first of 2 consecutive T bases (chr7:103,682,112-103,682,113); duplicating either gives the same sequence. VCF-style (leftmost placement, unchanged base first): chr7-103682111-C-CT. GRCh37 (hg19) VCF-style: chr7-103322558-C-CT.
Other names: c.1289+4dup (NM_173054.3).
Identifiers: ClinVar variation 948859 (VCV000948859.7), dbSNP rs1833665764, ClinGen allele CA1139660159.
Genomic context (GRCh38, chr7:103,682,111, plus strand): 5'-AAAACACGTCCAGTAGAATAAATGTAAGTGCTACATACACAGCATGGGAGATAGCAATTA[C>CT]TTACCCTGTAGGCTGGCTCTCAAATTCTTCTGACCATTGCTCTTGAATATCTTCTGTGGA-3'